The following is an entry in ClinVar:

ClinVar aggregate classification (germline): Uncertain significance (1 of 4 stars; one submission).

Submission:

Labcorp Genetics (formerly Invitae), Labcorp
Classification: Uncertain significance. Last evaluated: 2026-01-14. Review status: criteria provided, single submitter. Criteria: Invitae Variant Classification Sherloc (09022015). Collection method: clinical testing. Allele origin: germline.
Comment: This sequence change replaces lysine, which is basic and polar, with threonine, which is neutral and polar, at codon 626 of the MYO18B protein (p.Lys626Thr). This variant is not present in population databases (gnomAD no frequency). This variant has not been reported in the literature in individuals affected with MYO18B-related conditions. ClinVar contains an entry for this variant (Variation ID: 3617991). An algorithm developed to predict the effect of missense changes on protein structure and function (PolyPhen-2) suggests that this variant is likely to be tolerated. In summary, the available evidence is currently insufficient to determine the role of this variant in disease. Therefore, it has been classified as a Variant of Uncertain Significance.

NM_032608.7(MYO18B):c.1877A>C (p.Lys626Thr)

Gene: MYO18B (myosin XVIIIB; plus strand). Cytogenetic location: 22q12.1.
Variant type: single nucleotide variant.
Coding change: c.1877A>C on transcript NM_032608.7 (MANE Select); coding-DNA position 1877, A replaced by C.
Protein change: p.Lys626Thr; replaces lysine 626 with threonine.
Molecular consequence: missense variant.
Genome position (GRCh38, 1-based): chr22:25,777,590, A>C. VCF-style: chr22-25777590-A-C. GRCh37 (hg19) VCF-style: chr22-26173557-A-C.
Other names: c.1877A>C, p.Lys626Thr (NM_001318245.2); short protein forms K626T.
Identifiers: ClinVar variation 3617991 (VCV003617991.2).
Genomic context (GRCh38, chr22:25,777,590, plus strand): 5'-GCTCCCTAGGCAGTGGCTGGATGGGATGGCTGATACCTGTGATCTTCCTGCAGGTGCCCA[A>C]GGGCCGCCGGGATGGCCTGCCTGCCCACATTGGCTCCATGGCACAGCGGGCATACTGGGC-3'
Protein context (NP_115997.5, residues 616-636): PSVPSAGKVP[Lys626Thr]GRRDGLPAHI